The following is an entry in ClinVar:

ClinVar aggregate classification (germline): Uncertain significance. Review status: criteria provided, multiple submitters, no conflicts (2 of 4 stars). 3 submissions from 3 submitters: Uncertain significance (3). Last evaluated 2022-01-20.

Conditions:
Episodic pain syndrome, familial, 2 (FEPS2). Identifiers: Orphanet 306577, MedGen C3809893, MONDO:0014246, OMIM 615551.
Brugada syndrome. Also called: Sudden Unexplained Death Syndrome; Sudden Unexplained Nocturnal Death Syndrome (SUNDS); Sudden unexplained nocturnal death syndrome; Sudden unexpected nocturnal death syndrome. Identifiers: Orphanet 130, MedGen C1142166, MONDO:0015263.
Cardiovascular phenotype. Identifiers: MedGen CN230736.

gnomAD v4.1: 1 of 1,611,204 alleles (0.000062%); no homozygotes.

Submissions (3):

Labcorp Genetics (formerly Invitae), Labcorp
Classification: Uncertain significance for Brugada syndrome. Last evaluated: 2022-01-20. Review status: criteria provided, single submitter. Criteria: Invitae Variant Classification Sherloc (09022015). Collection method: clinical testing. Allele origin: germline.
Comment: In summary, the available evidence is currently insufficient to determine the role of this variant in disease. Therefore, it has been classified as a Variant of Uncertain Significance. Algorithms developed to predict the effect of missense changes on protein structure and function are either unavailable or do not agree on the potential impact of this missense change (SIFT: "Tolerated"; PolyPhen-2: "Possibly Damaging"; Align-GVGD: "Class C0"). This variant has not been reported in the literature in individuals affected with SCN10A-related conditions. This variant is not present in population databases (gnomAD no frequency). This sequence change replaces isoleucine, which is neutral and non-polar, with valine, which is neutral and non-polar, at codon 886 of the SCN10A protein (p.Ile886Val).

Revvity Omics, Revvity
Classification: Uncertain significance for Episodic pain syndrome, familial, 2. Last evaluated: 2020-03-24. Review status: criteria provided, single submitter. Criteria: ACMG Guidelines, 2015. Collection method: clinical testing. Allele origin: germline.

Ambry Genetics
Classification: Uncertain significance for Cardiovascular phenotype. Last evaluated: 2019-10-24. Review status: criteria provided, single submitter. Criteria: Ambry Variant Classification Scheme 2023. Collection method: clinical testing. Allele origin: germline.
Comment: The p.I886V variant (also known as c.2656A>G), located in coding exon 16 of the SCN10A gene, results from an A to G substitution at nucleotide position 2656. The isoleucine at codon 886 is replaced by valine, an amino acid with highly similar properties. This amino acid position is not well conserved in available vertebrate species. In addition, the in silico prediction for this alteration is inconclusive. Since supporting evidence is limited at this time, the clinical significance of this alteration remains unclear.

NM_006514.4(SCN10A):c.2656A>G (p.Ile886Val)

Gene: SCN10A (sodium voltage-gated channel alpha subunit 10; minus strand). Cytogenetic location: 3p22.2.
Variant type: single nucleotide variant.
Coding change: c.2656A>G on transcript NM_006514.4 (MANE Select); coding-DNA position 2656, A replaced by G.
Protein change: p.Ile886Val; replaces isoleucine 886 with valine.
Molecular consequence: missense variant.
Genome position (GRCh38, 1-based): chr3:38,727,037, T>C on the plus strand (A>G on the coding strand, the complement: SCN10A is on the minus strand). VCF-style: chr3-38727037-T-C. GRCh37 (hg19) VCF-style: chr3-38768528-T-C.
Other names: c.2656A>G, p.Ile886Val (NM_001293306.2); c.2362A>G, p.Ile788Val (NM_001293307.2); short protein forms I788V, I886V.
Identifiers: ClinVar variation 1355995 (VCV001355995.10), dbSNP rs2063465062, ClinGen allele CA352159413.